The following is an entry in ClinVar:

NM_004006.3(DMD):c.4088del (p.Lys1363fs)

Gene: DMD (dystrophin; minus strand). Cytogenetic location: Xp21.1.
Variant type: Deletion.
Coding change: c.4088del on transcript NM_004006.3 (MANE Select); coding-DNA position 4088, one base deleted (A; older notation c.4088delA).
Protein change: p.Lys1363fs; shifts the reading frame from lysine 1363.
Molecular consequence: frameshift variant.
Genome position (GRCh38, 1-based): chrX:32,411,897, T deleted on the plus strand (A on the coding strand, the reverse complement: DMD is on the minus strand); the first of 4 consecutive T bases (chrX:32,411,897-32,411,900); deleting any one gives the same sequence. VCF-style (leftmost placement, unchanged base first): chrX-32411896-CT-C. GRCh37 (hg19) VCF-style: chrX-32430013-CT-C.
Other names: c.4064del, p.Lys1355fs (NM_000109.4); c.4085delA, p.Lys1363Serfs (NM_004006.2); c.4076del, p.Lys1359fs (NM_004009.3); c.3719del, p.Lys1240fs (NM_004010.3); c.65del, p.Lys22fs (NM_004011.4); c.56del, p.Lys19fs (NM_004012.4); short protein forms K1240fs, K1355fs, K1359fs, K1363fs, K19fs, K22fs.
Identifiers: ClinVar variation 4081320 (VCV004081320.2).

ClinVar aggregate classification (germline): Pathogenic/Likely pathogenic. Review status: criteria provided, multiple submitters, no conflicts (2 of 4 stars). 2 submissions from 2 submitters: Pathogenic (1); Likely pathogenic (1). Last evaluated 2025-06-18.

Conditions:
Duchenne muscular dystrophy (DMD). Also called: Duchenne Muscular Dystrophy (DMD); MUSCULAR DYSTROPHY, PSEUDOHYPERTROPHIC PROGRESSIVE, DUCHENNE TYPE. Identifiers: Orphanet 98896, MedGen C0013264, MONDO:0010679, OMIM 310200.

Submissions (2):

Revvity Omics, Revvity
Classification: Likely pathogenic. Last evaluated: 2025-06-18. Review status: criteria provided, single submitter. Criteria: ACMG Guidelines, 2015. Collection method: clinical testing. Allele origin: germline.

Labcorp Genetics (formerly Invitae), Labcorp
Classification: Pathogenic for Duchenne muscular dystrophy. Last evaluated: 2025-04-10. Review status: criteria provided, single submitter. Criteria: Invitae Variant Classification Sherloc (09022015). Collection method: clinical testing. Allele origin: germline.
Comment: This sequence change creates a premature translational stop signal (p.Lys1363Serfs*19) in the DMD gene. It is expected to result in an absent or disrupted protein product. Loss-of-function variants in DMD are known to be pathogenic (PMID: 16770791, 25007885). This variant is not present in population databases (gnomAD no frequency). This variant has not been reported in the literature in individuals affected with DMD-related conditions. For these reasons, this variant has been classified as Pathogenic.

Literature cited by the submitters: PubMed 16770791 (cited by Labcorp Genetics (formerly Invitae), Labcorp); PubMed 25007885 (cited by Labcorp Genetics (formerly Invitae), Labcorp).